The following is an entry in ClinVar:

NM_138927.4(SON):c.4703C>T (p.Pro1568Leu)

Gene: SON (SON DNA and RNA binding protein; plus strand). Cytogenetic location: 21q22.11.
Variant type: single nucleotide variant.
Coding change: c.4703C>T on transcript NM_138927.4 (MANE Select); coding-DNA position 4703, C replaced by T.
Protein change: p.Pro1568Leu; replaces proline 1568 with leucine.
Molecular consequence: missense variant. On other transcripts: non-coding transcript variant (1), intron variant (1).
Genome position (GRCh38, 1-based): chr21:33,553,934, C>T. VCF-style: chr21-33553934-C-T. GRCh37 (hg19) VCF-style: chr21-34926240-C-T.
Other names: c.4703C>T, p.Pro1568Leu (NM_001291411.2, NM_032195.3); c.245-3222C>T (NM_001291412.3); short protein forms P1568L.
Identifiers: ClinVar variation 4699767 (VCV004699767.1).

ClinVar aggregate classification (germline): Uncertain significance (1 of 4 stars; one submission).

gnomAD v4.1: 1 of 1,614,002 alleles (0.000062%); highest among the groups gnomAD compares: Non-Finnish European, 0.000085%; no homozygotes.

Submission:

Labcorp Genetics (formerly Invitae), Labcorp
Classification: Uncertain significance. Last evaluated: 2025-03-23. Review status: criteria provided, single submitter. Criteria: Invitae Variant Classification Sherloc (09022015). Collection method: clinical testing. Allele origin: germline.
Comment: This sequence change replaces proline, which is neutral and non-polar, with leucine, which is neutral and non-polar, at codon 1568 of the SON protein (p.Pro1568Leu). This variant is not present in population databases (gnomAD no frequency). This variant has not been reported in the literature in individuals affected with SON-related conditions. An algorithm developed to predict the effect of missense changes on protein structure and function (PolyPhen-2) suggests that this variant is likely to be tolerated. In summary, the available evidence is currently insufficient to determine the role of this variant in disease. Therefore, it has been classified as a Variant of Uncertain Significance.